The following is an entry in ClinVar:

NM_001029896.2(WDR45):c.346G>A (p.Val116Met)

Gene: WDR45 (WD repeat domain 45; minus strand). Cytogenetic location: Xp11.23.
Variant type: single nucleotide variant.
Coding change: c.346G>A on transcript NM_001029896.2 (MANE Select); coding-DNA position 346, G replaced by A.
Protein change: p.Val116Met; replaces valine 116 with methionine.
Molecular consequence: missense variant.
Genome position (GRCh38, 1-based): chrX:49,076,520, C>T on the plus strand (G>A on the coding strand, the complement: WDR45 is on the minus strand). VCF-style: chrX-49076520-C-T. GRCh37 (hg19) VCF-style: chrX-48934179-C-T.
Other names: c.349G>A, p.Val117Met (NM_007075.4); short protein forms V116M, V117M.
Identifiers: ClinVar variation 959073 (VCV000959073.11), dbSNP rs781930776, ClinGen allele CA10408547.

ClinVar aggregate classification (germline): Likely benign. Review status: criteria provided, multiple submitters, no conflicts (2 of 4 stars). 3 submissions from 3 submitters: Likely benign (3). Last evaluated 2026-07-14.

Conditions:
Inborn genetic diseases. Identifiers: MedGen C0950123, MeSH D030342.
Neurodegeneration with brain iron accumulation 5 (NBIA5). Also called: STATIC ENCEPHALOPATHY OF CHILDHOOD WITH NEURODEGENERATION IN ADULTHOOD; Beta-propeller protein-associated neurodegeneration. Identifiers: Orphanet 329284, MedGen C3550973, MONDO:0010476, OMIM 300894.

Allele frequency attached by ClinVar (database versions not stated): gnomAD 0.00001 and 0.00002; gnomAD exomes 0.00002 and 0.00004; TOPMed 0.00002; ExAC 0.00005.

Submissions (3):

Ambry Genetics
Classification: Likely benign for Inborn genetic diseases. Last evaluated: 2026-07-14. Review status: criteria provided, single submitter. Criteria: Ambry Variant Classification Scheme 2023. Collection method: clinical testing. Allele origin: germline.

CeGaT Center for Human Genetics Tuebingen
Classification: Likely benign. Last evaluated: 2026-07-01. Review status: criteria provided, single submitter. Criteria: CeGaT Center For Human Genetics Tuebingen Variant Classification Criteria Version 2. Collection method: clinical testing. Allele origin: germline. Affected: yes. Observed: 1 variant allele.
Comment: WDR45: BS2

Labcorp Genetics (formerly Invitae), Labcorp
Classification: Likely benign for Neurodegeneration with brain iron accumulation 5. Last evaluated: 2025-08-18. Review status: criteria provided, single submitter. Criteria: Invitae Variant Classification Sherloc (09022015). Collection method: clinical testing. Allele origin: germline.